The following is an entry in ClinVar:

NM_152424.4(AMER1):c.2790GGA[1] (p.Glu931del)

Gene: AMER1 (APC membrane recruitment protein 1; minus strand). Cytogenetic location: Xq11.2.
Variant type: Microsatellite.
Coding change: c.2790GGA[1] on transcript NM_152424.4 (MANE Select); one copy of the 3-base unit GGA starting at c.2790; the reference has two copies in a row; one copy, 3 bases deleted.
Protein change: p.Glu931del; deletes glutamic acid 931.
Molecular consequence: inframe deletion.
Genome position (GRCh38, 1-based): chrX:64,190,492-64,190,494, TCC deleted on the plus strand (GGA on the coding strand, the reverse complement: AMER1 is on the minus strand); deleting any 3 consecutive bases within chrX:64,190,492-64,190,499 gives the same sequence; the position shown is the placement nearest the transcript's 3' end. VCF-style (leftmost placement, unchanged base first): chrX-64190491-GTCC-G. GRCh37 (hg19) VCF-style: chrX-63410371-GTCC-G.
Other names: short protein forms E931del.
Identifiers: ClinVar variation 4873303 (VCV004873303.2).
Genomic context (GRCh38, chrX:64,190,491, plus strand): 5'-GGGTTCAGTATAGAGGGAAAGGGGACTGTCTCGGCTCCATTCTCCTTCTTCCTCCTCTTC[GTCC>G]TCCTCATCTGAATCTTCCTGCTGGGCCTGCAGCTCATCAGACTCGAGGTAGCCCTGGACC-3'

ClinVar aggregate classification (germline): Likely benign (1 of 4 stars; one submission).

Submission:

CeGaT Center for Human Genetics Tuebingen
Classification: Likely benign. Last evaluated: 2026-04-01. Review status: criteria provided, single submitter. Criteria: CeGaT Center For Human Genetics Tuebingen Variant Classification Criteria Version 2. Collection method: clinical testing. Allele origin: germline. Affected: yes. Observed: 1 variant allele.
Comment: AMER1: PM4:Supporting, BS2